The following is an entry in ClinVar:

ClinVar aggregate classification (germline): Likely pathogenic (1 of 4 stars; one submission).

Conditions:
Hereditary sensory and autonomic neuropathy type 6. Also called: HSAN VI; Neuropathy, hereditary sensory and autonomic, type VI. Identifiers: Orphanet 314381, MedGen C3539003, MONDO:0013839, OMIM 614653.
Epidermolysis bullosa simplex 3, localized or generalized intermediate, with BP230 deficiency (EBS3). Also called: Epidermolysis bullosa simplex due to BP230 deficiency; Epidermolysis bullosa simplex, autosomal recessive 2. Identifiers: Orphanet 412181, MedGen C3809470, MONDO:0014180, OMIM 615425.

Submission:

Labcorp Genetics (formerly Invitae), Labcorp
Classification: Likely pathogenic for Epidermolysis bullosa simplex 3, localized or generalized intermediate, with BP230 deficiency; Hereditary sensory and autonomic neuropathy type 6. Last evaluated: 2023-03-03. Review status: criteria provided, single submitter. Criteria: Invitae Variant Classification Sherloc (09022015). Collection method: clinical testing. Allele origin: germline.
Comment: In summary, the currently available evidence indicates that the variant is pathogenic, but additional data are needed to prove that conclusively. Therefore, this variant has been classified as Likely Pathogenic. Algorithms developed to predict the effect of sequence changes on RNA splicing suggest that this variant may disrupt the consensus splice site. This variant has not been reported in the literature in individuals affected with DST-related conditions. This variant is not present in population databases (gnomAD no frequency). This variant results in the deletion of part of exon 17 (c.2667_2670+1del) of the DST gene. It is expected to disrupt RNA splicing. Variants that disrupt the donor or acceptor splice site typically lead to a loss of protein function (PMID: 16199547), and loss-of-function variants in DST are known to be pathogenic (PMID: 22522446, 25059916, 30371979).

Literature cited by the submitters: PubMed 16199547; PubMed 22522446; PubMed 25059916; PubMed 30371979.

NM_001374736.1(DST):c.4278_4281+1del

Gene: DST (dystonin; minus strand). Cytogenetic location: 6p12.1.
Variant type: Deletion.
Coding change: c.4278_4281+1del on transcript NM_001374736.1 (MANE Select); coding-DNA position 4278 through the canonical splice donor site of the intron after coding-DNA position 4281, 5 bases deleted (AAAGG; older notation c.4278_4281+1delAAAGG).
Molecular consequence: splice donor variant.
Genome position (GRCh38, 1-based): chr6:56,630,244-56,630,248, CCTTT deleted on the plus strand (AAAGG on the coding strand, the reverse complement: DST is on the minus strand). VCF-style (leftmost placement, unchanged base first): chr6-56630243-ACCTTT-A. GRCh37 (hg19) VCF-style: chr6-56495041-ACCTTT-A.
Other names: c.4179_4182+1del (NM_001144769.5); c.4278_4281+1del (NM_001374722.1); c.4305_4308+1del (NM_001374734.1); c.3765_3768+1del (NM_001144770.2); c.3645_3648+1del (NM_001374730.1, NM_001386100.1, NM_183380.4 and 1 more transcripts); c.2667_2670+1del (NM_015548.5, NM_001723.7).
Identifiers: ClinVar variation 2944883 (VCV002944883.3), dbSNP rs2536948872, ClinGen allele CA2740091387.